The following is an entry in ClinVar:

ClinVar aggregate classification (germline): Conflicting classifications of pathogenicity. Review status: criteria provided, conflicting classifications (1 of 4 stars). 4 submissions from 4 submitters: Uncertain significance (1); Benign (1); Likely benign (2). Last evaluated 2025-09-24.

Conditions:
Familial X-linked hypophosphatemic vitamin D refractory rickets (XLHRD). Also called: Hypophosphatemia, vitamin D-resistant rickets; Vitamin D-resistant rickets, X-linked; X-Linked Hypophosphatemia; Hypophosphatemic Rickets, X-Linked Dominant; HYPOPHOSPHATEMIC VITAMIN D-RESISTANT RICKETS. Identifiers: Orphanet 89936, MedGen C0733682, MONDO:0010619, OMIM 307800.

Allele frequency attached by ClinVar (database versions not stated): ExAC 0.00011; gnomAD exomes 0.00020 and 0.00022; TOPMed 0.00025; ESP Exome Variant Server 0.00028; gnomAD 0.00032 and 0.00035.
gnomAD v4.1: 277 of 1,206,940 alleles (0.023%); highest among the groups gnomAD compares: Admixed American, 0.05%; no homozygotes.

Submissions (4):

Labcorp Genetics (formerly Invitae), Labcorp
Classification: Benign. Last evaluated: 2025-09-24. Review status: criteria provided, single submitter. Criteria: Invitae Variant Classification Sherloc (09022015). Collection method: clinical testing. Allele origin: germline.

Blueprint Genetics
Classification: Likely benign. Last evaluated: 2023-10-14. Review status: criteria provided, single submitter. Criteria: ACMG Guidelines, 2015. Collection method: clinical testing. Allele origin: germline.

Illumina Laboratory Services, Illumina
Classification: Likely benign for Familial X-linked hypophosphatemic vitamin D refractory rickets. Last evaluated: 2018-01-13. Review status: criteria provided, single submitter. Criteria: ICSL Variant Classification Criteria 13 December 2019. Collection method: clinical testing. Allele origin: germline.
Comment: This variant was observed in the ICSL laboratory as part of a predisposition screen in an ostensibly healthy population. It had not been previously curated by ICSL or reported in the Human Gene Mutation Database (HGMD: prior to June 1st, 2018), and was therefore a candidate for classification through an automated scoring system. Utilizing variant allele frequency, disease prevalence and penetrance estimates, and inheritance mode, an automated score was calculated to assess if this variant is too frequent to cause the disease. Based on the score and internal cut-off values, a variant classified as likely benign is not then subjected to further curation. The score for this variant resulted in a classification of likely benign for this disease.

Eurofins Ntd Llc (ga)
Classification: Uncertain significance. Last evaluated: 2015-06-08. Review status: criteria provided, single submitter. Criteria: EGL Classification Definitions 2015. Collection method: clinical testing. Allele origin: germline. Observed: 1 variant allele, 1 heterozygote.

NM_000444.6(PHEX):c.2214G>A (p.Thr738=)

Genes: PHEX (phosphate regulating endopeptidase X-linked; plus strand), PTCHD1-AS (PTCHD1 and PHEX antisense RNA; minus strand). Cytogenetic location: Xp22.11.
Variant type: single nucleotide variant.
Coding change: c.2214G>A on transcript NM_000444.6 (MANE Select); coding-DNA position 2214, G replaced by A.
Protein change: p.Thr738=; no amino-acid change (threonine 738 retained).
Molecular consequence: synonymous variant. On other transcripts: 3 prime UTR variant (1).
Genome position (GRCh38, 1-based): chrX:22,247,917, G>A. VCF-style: chrX-22247917-G-A. GRCh37 (hg19) VCF-style: chrX-22266034-G-A.
Other names: c.*49G>A (NM_001282754.2).
Identifiers: ClinVar variation 195652 (VCV000195652.19), dbSNP rs140742016, ClinGen allele CA242147.